The following is an entry in ClinVar:

ClinVar aggregate classification (germline): Benign/Likely benign. Review status: criteria provided, multiple submitters, no conflicts (2 of 4 stars). 10 submissions from 10 submitters: Benign (2); Likely benign (7). 1 of the submissions does not count toward it. Last evaluated 2026-07-01.

Conditions:
PDX1-related disorder. Also called: PDX1-related disorders; PDX1-related condition.
Maturity-onset diabetes of the young (MODY). Also called: Maturity onset diabetes mellitus in young. Identifiers: Orphanet 552, MedGen C0342276, MONDO:0018911, HP:0004904.

Allele frequency attached by ClinVar (database versions not stated): ExAC 0.00030; 1000 Genomes Project 0.00040; TOPMed 0.00045; 1000 Genomes Project 30x 0.00062; gnomAD exomes 0.00072; gnomAD 0.00077 and 0.00078.
gnomAD v4.1: 1,361 of 1,537,288 alleles (0.089%); highest among the groups gnomAD compares: Non-Finnish European, 0.099%; no homozygotes.

Submissions (10):

CeGaT Center for Human Genetics Tuebingen
Classification: Likely benign. Last evaluated: 2026-07-01. Review status: criteria provided, single submitter. Criteria: CeGaT Center For Human Genetics Tuebingen Variant Classification Criteria Version 2. Collection method: clinical testing. Allele origin: germline. Affected: yes. Observed: 1 variant allele.
Comment: PDX1: BP4, BP7

Labcorp Genetics (formerly Invitae), Labcorp
Classification: Benign. Last evaluated: 2026-01-12. Review status: criteria provided, single submitter. Criteria: Invitae Variant Classification Sherloc (09022015). Collection method: clinical testing. Allele origin: germline.

Blueprint Genetics
Classification: Likely benign. Last evaluated: 2024-11-25. Review status: criteria provided, single submitter. Criteria: ACMG Guidelines, 2015. Collection method: clinical testing. Allele origin: germline.

ARUP Laboratories, Molecular Genetics and Genomics, ARUP Laboratories
Classification: Likely benign. Last evaluated: 2023-10-23. Review status: criteria provided, single submitter. Criteria: ARUP Molecular Germline Variant Investigation Process 2024. Collection method: clinical testing. Allele origin: germline.

Genetic Services Laboratory, University of Chicago
Classification: Likely benign. Last evaluated: 2020-03-16. Review status: criteria provided, single submitter. Criteria: ACMG Guidelines, 2015. Collection method: clinical testing. Allele origin: germline. Affected: no.

Ambry Genetics
Classification: Likely benign for Maturity-onset diabetes of the young. Last evaluated: 2019-03-22. Review status: criteria provided, single submitter. Criteria: Ambry Variant Classification Scheme 2023. Collection method: clinical testing. Allele origin: germline.

Athena Diagnostics
Classification: Benign. Last evaluated: 2017-12-15. Review status: criteria provided, single submitter. Criteria: Athena Diagnostics Criteria. Collection method: clinical testing. Allele origin: germline.

GeneDx
Classification: Likely benign. Last evaluated: 2017-02-08. Review status: criteria provided, single submitter. Criteria: GeneDx Variant Classification (06012015). Collection method: clinical testing. Allele origin: germline. Affected: yes.
Comment: This variant is considered likely benign or benign based on one or more of the following criteria: it is a conservative change, it occurs at a poorly conserved position in the protein, it is predicted to be benign by multiple in silico algorithms, and/or has population frequency not consistent with disease.

Breakthrough Genomics
Classification: Likely benign. Review status: criteria provided, single submitter. Criteria: ACMG Guidelines, 2015. Collection method: not provided. Allele origin: germline. Inheritance: Autosomal recessive inheritance. Affected: yes.

PreventionGenetics, part of Exact Sciences
Classification: Likely benign for PDX1-related condition. Last evaluated: 2024-05-10. Review status: no assertion criteria provided. Collection method: clinical testing. Allele origin: germline. Not counted in ClinVar's aggregate classification.
Comment: This variant is classified as likely benign based on ACMG/AMP sequence variant interpretation guidelines (Richards et al. 2015 PMID: 25741868, with internal and published modifications).

Literature cited by the submitters: PubMed 21569088 (cited by Ambry Genetics and Athena Diagnostics).

NM_000209.4(PDX1):c.165C>A (p.Gly55=)

Gene: PDX1 (pancreatic and duodenal homeobox 1; plus strand). Cytogenetic location: 13q12.2.
Variant type: single nucleotide variant.
Coding change: c.165C>A on transcript NM_000209.4 (MANE Select); coding-DNA position 165, C replaced by A.
Protein change: p.Gly55=; no amino-acid change (glycine 55 retained).
Molecular consequence: synonymous variant.
Genome position (GRCh38, 1-based): chr13:27,920,303, C>A. VCF-style: chr13-27920303-C-A. GRCh37 (hg19) VCF-style: chr13-28494440-C-A.
Identifiers: ClinVar variation 517723 (VCV000517723.22), dbSNP rs530567443, ClinGen allele CA6927587.